The following is an entry in ClinVar:

ClinVar aggregate classification (germline): Conflicting classifications of pathogenicity. Review status: criteria provided, conflicting classifications (1 of 4 stars). 2 submissions from 2 submitters: Uncertain significance (1); Likely benign (1). Last evaluated 2025-09-17.

Conditions:
Osteogenesis imperfecta type I (OI1). Also called: Lobstein disease; Classic Non-deforming Osteogenesis Imperfecta with Blue Sclerae; OI, TYPE I; OSTEOGENESIS IMPERFECTA TARDA; OSTEOGENESIS IMPERFECTA WITH BLUE SCLERAE; Osteogenesis imperfecta type 1. Identifiers: Orphanet 216796, Orphanet 666, MedGen C0023931, MONDO:0008146, OMIM 166200. Disease mechanism: loss of function.

Allele frequency attached by ClinVar (database versions not stated): gnomAD 0.00002; TOPMed 0.00007.
gnomAD v4.1: 13 of 1,607,384 alleles (0.00081%); highest among the groups gnomAD compares: Middle Eastern, 0.033%; no homozygotes.

Submissions (2):

Labcorp Genetics (formerly Invitae), Labcorp
Classification: Likely benign for Osteogenesis imperfecta type I. Last evaluated: 2025-09-17. Review status: criteria provided, single submitter. Criteria: Invitae Variant Classification Sherloc (09022015). Collection method: clinical testing. Allele origin: germline.

GeneDx
Classification: Uncertain significance. Last evaluated: 2022-01-05. Review status: criteria provided, single submitter. Criteria: GeneDx Variant Classification Process June 2021. Collection method: clinical testing. Allele origin: germline. Affected: yes.
Comment: Has not been previously published as pathogenic or benign to our knowledge; Not observed at significant frequency in large population cohorts (gnomAD); In silico analysis supports that this missense variant has a deleterious effect on protein structure/function; Occurs in the triple helical domain at the X position in the canonical Gly-X-Y repeat; although this variant may have an effect on normal protein folding and function, missense substitution at the X position is not a common mechanism of disease (HGMD)

NM_000088.4(COL1A1):c.2608C>G (p.Pro870Ala)

Gene: COL1A1 (collagen type I alpha 1 chain; minus strand). Cytogenetic location: 17q21.33.
Variant type: single nucleotide variant.
Coding change: c.2608C>G on transcript NM_000088.4 (MANE Select); coding-DNA position 2608, C replaced by G.
Protein change: p.Pro870Ala; replaces proline 870 with alanine.
Molecular consequence: missense variant.
Genome position (GRCh38, 1-based): chr17:50,189,864, G>C on the plus strand (C>G on the coding strand, the complement: COL1A1 is on the minus strand). VCF-style: chr17-50189864-G-C. GRCh37 (hg19) VCF-style: chr17-48267225-G-C.
Other names: short protein forms P870A.
Identifiers: ClinVar variation 1403643 (VCV001403643.10), dbSNP rs771918127, ClinGen allele CA291543257.